The following is an entry in ClinVar:

ClinVar aggregate classification (germline): Uncertain significance (1 of 4 stars; one submission).

Submission:

GeneDx
Classification: Uncertain significance. Last evaluated: 2026-07-10. Review status: criteria provided, single submitter. Criteria: GeneDx Variant Classification Process June 2021. Collection method: clinical testing. Allele origin: germline.
Comment: Not observed at significant frequency in large population cohorts (gnomAD); In silico analysis supports a deleterious effect on splicing; Has not been previously published as pathogenic or benign to our knowledge

NM_004465.2(FGF10):c.429+4A>G

Gene: FGF10 (fibroblast growth factor 10; minus strand). Cytogenetic location: 5p12.
Variant type: single nucleotide variant.
Coding change: c.429+4A>G on transcript NM_004465.2 (MANE Select); 4 bases into the intron after coding-DNA position 429, A replaced by G.
Molecular consequence: intron variant.
Genome position (GRCh38, 1-based): chr5:44,310,423, T>C on the plus strand (A>G on the coding strand, the complement: FGF10 is on the minus strand). VCF-style: chr5-44310423-T-C. GRCh37 (hg19) VCF-style: chr5-44310525-T-C.
Identifiers: ClinVar variation 3340916 (VCV003340916.2).